The following is an entry in ClinVar:

ClinVar aggregate classification (germline): Pathogenic/Likely pathogenic. Review status: criteria provided, multiple submitters, no conflicts (2 of 4 stars). 5 submissions from 5 submitters: Pathogenic (1); Likely pathogenic (4). Last evaluated 2025-08-06.

Conditions:
Fanconi anemia complementation group A (FANCA). Also called: Fanconi anemia, group A; FANCA-Related Fanconi Anemia. Identifiers: Orphanet 84, MedGen C3469521, MONDO:0009215, OMIM 227650.
FANCA-related disorders.
Fanconi anemia (FA). Also called: Fanconi's anemia. Identifiers: Orphanet 84, MedGen C0015625, MeSH D005199, MONDO:0019391.

Allele frequency attached by ClinVar (database versions not stated): gnomAD exomes below 0.00001 and 0.00001.

Submissions (5):

Natera, Inc.
Classification: Likely pathogenic for Fanconi anemia. Last evaluated: 2025-08-06. Review status: criteria provided, single submitter. Criteria: Natera Variant Classification Schema (03/2026). Collection method: clinical testing. Allele origin: germline.
Comment: The c.1468C>T variant in FANCA is a nonsense variant predicted to introduce a stop codon at amino acid 490. This variant is expected to result in nonsense mediated decay, truncation, or a dysfunctional protein product. This variant is rare in the general population with a frequency below the threshold expected for the associated phenotype(s). Given the available evidence, this variant is classified as Likely Pathogenic.

Baylor Genetics
Classification: Likely pathogenic for Fanconi anemia complementation group A. Last evaluated: 2024-01-16. Review status: criteria provided, single submitter. Criteria: ACMG Guidelines, 2015. Collection method: clinical testing. Allele origin: unknown.

Labcorp Genetics (formerly Invitae), Labcorp
Classification: Pathogenic for Fanconi anemia. Last evaluated: 2023-05-01. Review status: criteria provided, single submitter. Criteria: Invitae Variant Classification Sherloc (09022015). Collection method: clinical testing. Allele origin: germline.
Comment: Algorithms developed to predict the effect of sequence changes on RNA splicing suggest that this variant may disrupt the consensus splice site. For these reasons, this variant has been classified as Pathogenic. ClinVar contains an entry for this variant (Variation ID: 983795). This variant has not been reported in the literature in individuals affected with FANCA-related conditions. This variant is present in population databases (no rsID available, gnomAD 0.0009%). This sequence change creates a premature translational stop signal (p.Gln490*) in the FANCA gene. It is expected to result in an absent or disrupted protein product. Loss-of-function variants in FANCA are known to be pathogenic (PMID: 19367192).

Blueprint Genetics
Classification: Likely pathogenic for FANCA-related disorders. Last evaluated: 2022-04-08. Review status: criteria provided, single submitter. Criteria: ACMG Guidelines, 2015. Collection method: clinical testing. Allele origin: germline. Affected: yes. Observed: 2 variant alleles.

Myriad Genetics, Inc.
Classification: Likely pathogenic for Fanconi anemia complementation group A. Last evaluated: 2019-04-13. Review status: criteria provided, single submitter. Criteria: Myriad Women's Health Autosomal Recessive and X-Linked Classification Criteria (2019). Collection method: clinical testing. Allele origin: unknown.
Comment: NM_000135.2(FANCA):c.1468C>T(Q490*) is expected to be pathogenic in the context of Fanconi anemia complementation group A. This variant is predicted to lead to an abnormal or absent protein product due to the creation of a premature termination codon in FANCA, a gene where loss-of-function variants are known to be pathogenic. Please note: this variant was assessed in the context of healthy population screening.

Literature cited by the submitters: PubMed 19367192 (cited by Labcorp Genetics (formerly Invitae), Labcorp).

NM_000135.4(FANCA):c.1468C>T (p.Gln490Ter)

Gene: FANCA (FA complementation group A; minus strand). Cytogenetic location: 16q24.3.
Variant type: single nucleotide variant.
Coding change: c.1468C>T on transcript NM_000135.4 (MANE Select); coding-DNA position 1468, C replaced by T.
Protein change: p.Gln490Ter; replaces glutamine 490 with a stop codon.
Molecular consequence: nonsense.
Genome position (GRCh38, 1-based): chr16:89,784,856, G>A on the plus strand (C>T on the coding strand, the complement: FANCA is on the minus strand). VCF-style: chr16-89784856-G-A. GRCh37 (hg19) VCF-style: chr16-89851264-G-A.
Other names: c.1468C>T, p.Gln490Ter (NM_001286167.3); c.1468C>T (NM_000135.3); short protein forms Q490*.
Identifiers: ClinVar variation 983795 (VCV000983795.12), dbSNP rs1266348463, ClinGen allele CA397459584.